The following is an entry in ClinVar:

ClinVar aggregate classification (germline): Pathogenic. Review status: criteria provided, multiple submitters, no conflicts (2 of 4 stars). 2 submissions from 2 submitters: Pathogenic (2). Last evaluated 2023-07-03.

Conditions:
Cardiovascular phenotype. Identifiers: MedGen CN230736.
Telangiectasia, hereditary hemorrhagic, type 2 (HHT2). Also called: ACVRL1-Related Hereditary Hemorrhagic Telangiectasia; Telangiectasia, hereditary hemorrhagic, type II. Identifiers: Orphanet 774, MedGen C1838163, MONDO:0010880, OMIM 600376. Disease mechanism: loss of function.

Submissions (2):

Labcorp Genetics (formerly Invitae), Labcorp
Classification: Pathogenic for Telangiectasia, hereditary hemorrhagic, type 2. Last evaluated: 2023-07-03. Review status: criteria provided, single submitter. Criteria: Invitae Variant Classification Sherloc (09022015). Collection method: clinical testing. Allele origin: germline.
Comment: For these reasons, this variant has been classified as Pathogenic. ClinVar contains an entry for this variant (Variation ID: 1732360). This premature translational stop signal has been observed in individual(s) with hereditary hemorrhagic telangiectasia (PMID: 18673552, 32503579). This variant is not present in population databases (gnomAD no frequency). This sequence change creates a premature translational stop signal (p.Leu121Serfs*4) in the ACVRL1 gene. It is expected to result in an absent or disrupted protein product. Loss-of-function variants in ACVRL1 are known to be pathogenic (PMID: 15879500).

Ambry Genetics
Classification: Pathogenic for Cardiovascular phenotype. Last evaluated: 2018-05-30. Review status: criteria provided, single submitter. Criteria: Ambry Variant Classification Scheme 2023. Collection method: clinical testing. Allele origin: germline.
Comment: The c.353_360dupAGCTGGCC pathogenic mutation, located in coding exon 3 of the ACVRL1 gene, results from a duplication of 8 nucleotides (AGCTGGCC) at nucleotide position 353, causing a translational frameshift with a predicted alternate stop codon (p.L121Sfs*4). This alteration has been previously reported in an individual with hereditary hemorrhagic telangiectasia (Fontalba A et al. BMC Med. Genet., 2008 Aug;9:75). In addition to the clinical data presented in the literature, this alteration is expected to result in loss of function by premature protein truncation or nonsense-mediated mRNA decay. As such, this alteration is interpreted as a disease-causing mutation.

Literature cited by the submitters: PubMed 18673552 (cited by Labcorp Genetics (formerly Invitae), Labcorp and Ambry Genetics); PubMed 32503579 (cited by Labcorp Genetics (formerly Invitae), Labcorp); PubMed 15879500 (cited by Labcorp Genetics (formerly Invitae), Labcorp).

NM_000020.3(ACVRL1):c.353_360dup (p.Leu121fs)

Gene: ACVRL1 (activin A receptor like type 1; plus strand). Cytogenetic location: 12q13.13.
Variant type: Duplication.
Coding change: c.353_360dup on transcript NM_000020.3 (MANE Select); coding-DNA positions 353 to 360, 8 bases duplicated (AGCTGGCC; older notation c.353_360dupAGCTGGCC).
Protein change: p.Leu121fs; shifts the reading frame from leucine 121.
Molecular consequence: frameshift variant.
Genome position (GRCh38, 1-based): chr12:51,913,598-51,913,605, AGCTGGCC duplicated; duplicating any 8 consecutive bases within chr12:51,913,593-51,913,605 gives the same sequence; the c. name uses the placement nearest the transcript's 3' end. VCF-style (leftmost placement, unchanged base first): chr12-51913592-A-ATGGCCAGC. GRCh37 (hg19) VCF-style: chr12-52307376-A-ATGGCCAGC.
Other names: c.353_360dup, p.Leu121fs (NM_001077401.2); c.353_360dup, p.Leu121Serfs (NM_001406487.1, NM_001406488.1, NM_001406489.1); c.353_360dupAGCTGGCC (NM_000020.2); short protein forms L121fs.
Identifiers: ClinVar variation 1732360 (VCV001732360.5), dbSNP rs2540160434, ClinGen allele CA2580086444.